The following is an entry in ClinVar:

ClinVar aggregate classification (germline): Uncertain significance. Review status: criteria provided, multiple submitters, no conflicts (2 of 4 stars). 3 submissions from 3 submitters: Uncertain significance (3). Last evaluated 2023-05-15.

Conditions:
Cardiovascular phenotype. Identifiers: MedGen CN230736.
Alstrom syndrome (ALMS). Identifiers: Orphanet 64, MedGen C0268425, MONDO:0008763, OMIM 203800.

Allele frequency attached by ClinVar (database versions not stated): ExAC 0.00001; gnomAD 0.00001; TOPMed 0.00001.
gnomAD v4.1: 11 of 1,613,810 alleles (0.00068%); highest among the groups gnomAD compares: South Asian, 0.0077%; no homozygotes.

Submissions (3):

Ambry Genetics
Classification: Uncertain significance for Cardiovascular phenotype. Last evaluated: 2023-05-15. Review status: criteria provided, single submitter. Criteria: Ambry Variant Classification Scheme 2023. Collection method: clinical testing. Allele origin: germline.
Comment: The p.P3176L variant (also known as c.9527C>T), located in coding exon 10 of the ALMS1 gene, results from a C to T substitution at nucleotide position 9527. The proline at codon 3176 is replaced by leucine, an amino acid with similar properties. This amino acid position is highly conserved in available vertebrate species. In addition, this alteration is predicted to be tolerated by in silico analysis. Since supporting evidence is limited at this time, the clinical significance of this alteration remains unclear.

Blueprint Genetics
Classification: Uncertain significance. Last evaluated: 2022-10-31. Review status: criteria provided, single submitter. Criteria: ACMG Guidelines, 2015. Collection method: clinical testing. Allele origin: germline.

Labcorp Genetics (formerly Invitae), Labcorp
Classification: Uncertain significance for Alstrom syndrome. Last evaluated: 2022-06-13. Review status: criteria provided, single submitter. Criteria: Invitae Variant Classification Sherloc (09022015). Collection method: clinical testing. Allele origin: germline.
Comment: This sequence change replaces proline, which is neutral and non-polar, with leucine, which is neutral and non-polar, at codon 3176 of the ALMS1 protein (p.Pro3176Leu). This variant is present in population databases (rs768943180, gnomAD 0.003%). This variant has not been reported in the literature in individuals affected with ALMS1-related conditions. In summary, the available evidence is currently insufficient to determine the role of this variant in disease. Therefore, it has been classified as a Variant of Uncertain Significance.

NM_001378454.1(ALMS1):c.9524C>T (p.Pro3175Leu)

Gene: ALMS1 (ALMS1 centrosome and basal body associated protein; plus strand). Cytogenetic location: 2p13.1.
Variant type: single nucleotide variant.
Coding change: c.9524C>T on transcript NM_001378454.1 (MANE Select); coding-DNA position 9524, C replaced by T.
Protein change: p.Pro3175Leu; replaces proline 3175 with leucine.
Molecular consequence: missense variant.
Genome position (GRCh38, 1-based): chr2:73,491,483, C>T. VCF-style: chr2-73491483-C-T. GRCh37 (hg19) VCF-style: chr2-73718610-C-T.
Other names: c.9527C>T, p.Pro3176Leu (NM_015120.4); short protein forms P3175L, P3176L.
Identifiers: ClinVar variation 2029079 (VCV002029079.4), dbSNP rs768943180, ClinGen allele CA1714676.